The following is an entry in ClinVar:

NM_001378454.1(ALMS1):c.5996C>T (p.Ser1999Leu)

Gene: ALMS1 (ALMS1 centrosome and basal body associated protein; plus strand). Cytogenetic location: 2p13.1.
Variant type: single nucleotide variant.
Coding change: c.5996C>T on transcript NM_001378454.1 (MANE Select); coding-DNA position 5996, C replaced by T.
Protein change: p.Ser1999Leu; replaces serine 1999 with leucine.
Molecular consequence: missense variant.
Genome position (GRCh38, 1-based): chr2:73,452,523, C>T. VCF-style: chr2-73452523-C-T. GRCh37 (hg19) VCF-style: chr2-73679650-C-T.
Other names: c.5999C>T, p.Ser2000Leu (NM_015120.4); short protein forms S1999L, S2000L.
Identifiers: ClinVar variation 2449601 (VCV002449601.2), dbSNP rs1352036989, ClinGen allele CA347284319.

ClinVar aggregate classification (germline): Uncertain significance (1 of 4 stars; one submission).

Conditions:
Cardiovascular phenotype. Identifiers: MedGen CN230736.

Allele frequency attached by ClinVar (database versions not stated): TOPMed below 0.00001.
gnomAD v4.1: 1 of 1,614,068 alleles (0.000062%); highest among the groups gnomAD compares: African/African-American, 0.0013%; no homozygotes.

Submission:

Ambry Genetics
Classification: Uncertain significance for Cardiovascular phenotype. Last evaluated: 2023-02-13. Review status: criteria provided, single submitter. Criteria: Ambry Variant Classification Scheme 2023. Collection method: clinical testing. Allele origin: germline.
Comment: The p.S2000L variant (also known as c.5999C>T), located in coding exon 8 of the ALMS1 gene, results from a C to T substitution at nucleotide position 5999. The serine at codon 2000 is replaced by leucine, an amino acid with dissimilar properties. This amino acid position is highly conserved in available vertebrate species. In addition, this alteration is predicted to be tolerated by in silico analysis. Since supporting evidence is limited at this time, the clinical significance of this alteration remains unclear.